The following is an entry in ClinVar:

NM_001354930.2(RIPK1):c.975T>G (p.Cys325Trp)

Gene: RIPK1 (receptor interacting serine/threonine kinase 1; plus strand). Cytogenetic location: 6p25.2.
Variant type: single nucleotide variant.
Coding change: c.975T>G on transcript NM_001354930.2 (MANE Select); coding-DNA position 975, T replaced by G.
Protein change: p.Cys325Trp; replaces cysteine 325 with tryptophan.
Molecular consequence: missense variant.
Genome position (GRCh38, 1-based): chr6:3,104,284, T>G. VCF-style: chr6-3104284-T-G. GRCh37 (hg19) VCF-style: chr6-3104518-T-G.
Other names: c.486T>G, p.Cys162Trp (NM_001317061.3, NM_001354932.2, NM_001354933.2 and 1 more transcripts); c.837T>G, p.Cys279Trp (NM_001354931.2); c.975T>G, p.Cys325Trp (NM_003804.6); short protein forms C162W, C279W, C325W.
Identifiers: ClinVar variation 3723980 (VCV003723980.2).
Genomic context (GRCh38, chr6:3,104,284, plus strand): 5'-GAAAGAGTATTCAAACGAAAATGCAGTTGTGAAGAGAATGCAGTCTCTTCAACTTGATTG[T>G]GTGGCAGTACCTTCAAGCCGGTCAAATTCAGGTAAATTACACTATGGTCAAAATCTATTC-3'
Protein context (NP_001341859.1, residues 315-335): VKRMQSLQLD[Cys325Trp]VAVPSSRSNS

ClinVar aggregate classification (germline): Uncertain significance (1 of 4 stars; one submission).

Submission:

Labcorp Genetics (formerly Invitae), Labcorp
Classification: Uncertain significance. Last evaluated: 2024-10-28. Review status: criteria provided, single submitter. Criteria: Invitae Variant Classification Sherloc (09022015). Collection method: clinical testing. Allele origin: germline.
Comment: This sequence change replaces cysteine, which is neutral and slightly polar, with tryptophan, which is neutral and slightly polar, at codon 325 of the RIPK1 protein (p.Cys325Trp). This variant is not present in population databases (gnomAD no frequency). This variant has not been reported in the literature in individuals affected with RIPK1-related conditions. An algorithm developed to predict the effect of missense changes on protein structure and function (PolyPhen-2) suggests that this variant is likely to be disruptive. In summary, the available evidence is currently insufficient to determine the role of this variant in disease. Therefore, it has been classified as a Variant of Uncertain Significance.